The following is an entry in ClinVar:

NM_003922.4(HERC1):c.13688G>A (p.Arg4563Lys)

Gene: HERC1 (HECT and RLD domain containing E3 ubiquitin protein ligase family member 1; minus strand). Cytogenetic location: 15q22.31.
Variant type: single nucleotide variant.
Coding change: c.13688G>A on transcript NM_003922.4 (MANE Select); coding-DNA position 13688, G replaced by A.
Protein change: p.Arg4563Lys; replaces arginine 4563 with lysine.
Molecular consequence: missense variant.
Genome position (GRCh38, 1-based): chr15:63,622,815, C>T on the plus strand (G>A on the coding strand, the complement: HERC1 is on the minus strand). VCF-style: chr15-63622815-C-T. GRCh37 (hg19) VCF-style: chr15-63915014-C-T.
Other names: short protein forms R4563K.
Identifiers: ClinVar variation 1320409 (VCV001320409.2), dbSNP rs1201259328, ClinGen allele CA392733865.
Genomic context (GRCh38, chr15:63,622,815, plus strand): 5'-ATAAATGTGAGCTATTATTATTATTTTAGACATATAATGAACACTTGCTGACTGCCATAC[C>T]TGTCCCTATTGTAACCCACTTCTGCGGTGGCATTGGGAGAGGGTATAAGAAGGTCAACAA-3'
Protein context (NP_003913.3, residues 4553-4573): ATAEVGYNRD[Arg4563Lys]FLFNPSACLD

ClinVar aggregate classification (germline): Uncertain significance (1 of 4 stars; one submission).

Submission:

GeneDx
Classification: Uncertain significance. Last evaluated: 2019-05-24. Review status: criteria provided, single submitter. Criteria: GeneDx Variant Classification Process June 2021. Collection method: clinical testing. Allele origin: germline. Affected: yes.
Comment: Not observed in large population cohorts (Lek et al., 2016); In silico analysis, which includes protein predictors and evolutionary conservation, supports that this variant does not alter protein structure/function; In silico analysis, which includes splice predictors, supports a deleterious effect; In the absence of RNA/functional studies, the actual effect of this sequence change is unknown; Has not been previously published as pathogenic or benign to our knowledge